The following is an entry in ClinVar:

ClinVar aggregate classification (germline): Uncertain significance (1 of 4 stars; one submission).

Submission:

GeneDx
Classification: Uncertain significance. Last evaluated: 2022-06-21. Review status: criteria provided, single submitter. Criteria: GeneDx Variant Classification Process June 2021. Collection method: clinical testing. Allele origin: germline. Affected: yes.
Comment: Not observed at significant frequency in large population cohorts (gnomAD); In silico analysis supports that this missense variant does not alter protein structure/function; Has not been previously published as pathogenic or benign to our knowledge

NM_015021.3(ZNF292):c.4937A>G (p.Asn1646Ser)

Gene: ZNF292 (zinc finger protein 292; plus strand). Cytogenetic location: 6q14.3.
Variant type: single nucleotide variant.
Coding change: c.4937A>G on transcript NM_015021.3 (MANE Select); coding-DNA position 4937, A replaced by G.
Protein change: p.Asn1646Ser; replaces asparagine 1646 with serine.
Molecular consequence: missense variant.
Genome position (GRCh38, 1-based): chr6:87,258,566, A>G. VCF-style: chr6-87258566-A-G. GRCh37 (hg19) VCF-style: chr6-87968284-A-G.
Other names: c.4517A>G, p.Asn1506Ser (NM_001351444.2); short protein forms N1506S, N1646S.
Identifiers: ClinVar variation 1806812 (VCV001806812.1), dbSNP rs2482335733, ClinGen allele CA364928849.